The following is an entry in ClinVar:

ClinVar aggregate classification (germline): Likely pathogenic. Review status: criteria provided, single submitter (1 of 4 stars). 2 submissions from 2 submitters: Likely pathogenic (1). 1 of the submissions does not count toward it. Last evaluated 2022-02-04.

Conditions:
CACNA1A-related disorder. Also called: CACNA1A-related condition.
Developmental and epileptic encephalopathy, 42 (DEE42A). Also called: DEVELOPMENTAL AND EPILEPTIC ENCEPHALOPATHY 42A; EPILEPTIC ENCEPHALOPATHY, EARLY INFANTILE, 42A; Epileptic encephalopathy, early infantile, 42. Identifiers: MedGen C4310716, MONDO:0014917, OMIM 617106.
Episodic ataxia type 2 (EA2). Also called: EPISODIC ATAXIA, NYSTAGMUS-ASSOCIATED; ACETAZOLAMIDE-RESPONSIVE HEREDITARY PAROXYSMAL CEREBELLAR ATAXIA; ATAXIA, EPISODIC, WITH NYSTAGMUS; ATAXIA, FAMILIAL PAROXYSMAL; CEREBELLAR ATAXIA, PAROXYSMAL, ACETAZOLAMIDE-RESPONSIVE; CEREBELLOPATHY, HEREDITARY PAROXYSMAL. Identifiers: Orphanet 97, MedGen C1720416, MONDO:0007163, OMIM 108500.

Submissions (2):

Labcorp Genetics (formerly Invitae), Labcorp
Classification: Likely pathogenic for Developmental and epileptic encephalopathy, 42; Episodic ataxia type 2. Last evaluated: 2022-02-04. Review status: criteria provided, single submitter. Criteria: Invitae Variant Classification Sherloc (09022015). Collection method: clinical testing. Allele origin: germline.
Comment: In summary, the currently available evidence indicates that the variant is pathogenic, but additional data are needed to prove that conclusively. Therefore, this variant has been classified as Likely Pathogenic. Algorithms developed to predict the effect of sequence changes on RNA splicing suggest that this variant may disrupt the consensus splice site. ClinVar contains an entry for this variant (Variation ID: 1066117). This variant has not been reported in the literature in individuals affected with CACNA1A-related conditions. This variant is not present in population databases (gnomAD no frequency). This sequence change affects a donor splice site in intron 2 of the CACNA1A gene. It is expected to disrupt RNA splicing. Variants that disrupt the donor or acceptor splice site typically lead to a loss of protein function (PMID: 16199547), and loss-of-function variants in CACNA1A are known to be pathogenic (PMID: 10371528, 19486177, 25735478, 27250579).

PreventionGenetics, part of Exact Sciences
Classification: Likely pathogenic for CACNA1A-related condition. Last evaluated: 2024-09-11. Review status: no assertion criteria provided. Collection method: clinical testing. Allele origin: germline. Not counted in ClinVar's aggregate classification.
Comment: The CACNA1A c.399+1G>A variant is predicted to disrupt the GT donor site and interfere with normal splicing. To our knowledge, this variant has not been reported in the literature or in a large population database, indicating this variant is rare. Variants that disrupt the consensus splice donor site in CACNA1A are expected to be pathogenic. This variant is interpreted as likely pathogenic.

Literature cited by the submitters: PubMed 16199547 (cited by Labcorp Genetics (formerly Invitae), Labcorp); PubMed 10371528 (cited by Labcorp Genetics (formerly Invitae), Labcorp); PubMed 19486177 (cited by Labcorp Genetics (formerly Invitae), Labcorp); PubMed 25735478 (cited by Labcorp Genetics (formerly Invitae), Labcorp); PubMed 27250579 (cited by Labcorp Genetics (formerly Invitae), Labcorp).

NM_001127222.2(CACNA1A):c.399+1G>A

Gene: CACNA1A (calcium voltage-gated channel subunit alpha1 A; minus strand). Cytogenetic location: 19p13.13.
Variant type: single nucleotide variant.
Coding change: c.399+1G>A on transcript NM_001127222.2 (MANE Select); the canonical splice donor site of the intron after coding-DNA position 399, G replaced by A.
Molecular consequence: splice donor variant.
Genome position (GRCh38, 1-based): chr19:13,455,106, C>T on the plus strand (G>A on the coding strand, the complement: CACNA1A is on the minus strand). VCF-style: chr19-13455106-C-T. GRCh37 (hg19) VCF-style: chr19-13565920-C-T.
Other names: c.399+1G>A (NM_001127221.2, NM_001174080.2, NM_000068.4 and 2 more transcripts).
Identifiers: ClinVar variation 1066117 (VCV001066117.12), dbSNP rs2060983144, ClinGen allele CA404967737.